The following is an entry in ClinVar:

ClinVar aggregate classification (germline): Benign. Review status: criteria provided, multiple submitters, no conflicts (2 of 4 stars). 3 submissions from 3 submitters: Benign (2). 1 of the submissions does not count toward it. Last evaluated 2021-05-04.

Conditions:
NIPA2-related disorder. Also called: NIPA2-related condition.

Allele frequency attached by ClinVar (database versions not stated): ESP Exome Variant Server 0.18030; ExAC 0.20742; 1000 Genomes Project 0.22564; 1000 Genomes Project 30x 0.23189.
gnomAD v4.1: 295,712 of 1,609,850 alleles (18%); highest among the groups gnomAD compares: Admixed American, 36%; 29,321 homozygotes.

Submissions (3):

GeneDx
Classification: Benign. Last evaluated: 2021-05-04. Review status: criteria provided, single submitter. Criteria: GeneDx Variant Classification Process June 2021. Collection method: clinical testing. Allele origin: germline. Affected: yes.

Breakthrough Genomics
Classification: Benign. Review status: criteria provided, single submitter. Criteria: ACMG Guidelines, 2015. Collection method: not provided. Allele origin: germline. Inheritance: Unknown mechanism. Affected: yes.

PreventionGenetics, part of Exact Sciences
Classification: Benign for NIPA2-related condition. Last evaluated: 2024-08-30. Review status: no assertion criteria provided. Collection method: clinical testing. Allele origin: germline. Not counted in ClinVar's aggregate classification.
Comment: This variant is classified as benign based on ACMG/AMP sequence variant interpretation guidelines (Richards et al. 2015 PMID: 25741868, with internal and published modifications).

NM_030922.7(NIPA2):c.99G>A (p.Lys33=)

Gene: NIPA2 (NIPA magnesium transporter 2; plus strand). Cytogenetic location: 15q11.2.
Variant type: single nucleotide variant.
Coding change: c.99G>A on transcript NM_030922.7 (MANE Select); coding-DNA position 99, G replaced by A.
Protein change: p.Lys33=; no amino-acid change (lysine 33 retained).
Molecular consequence: synonymous variant.
Genome position (GRCh38, 1-based): chr15:22,851,830, G>A. VCF-style: chr15-22851830-G-A. GRCh37 (hg19) VCF-style: chr15-23021238-C-T.
Other names: c.99G>A, p.Lys33= (NM_001008860.3, NM_001008892.3, NM_001008894.3 and 2 more transcripts).
Identifiers: ClinVar variation 1221596 (VCV001221596.6), dbSNP rs7170838, ClinGen allele CA7425934.